The following is an entry in ClinVar:

ClinVar aggregate classification (germline): Uncertain significance (1 of 4 stars; one submission).

Conditions:
Inborn genetic diseases. Identifiers: MedGen C0950123, MeSH D030342.

Allele frequency attached by ClinVar (database versions not stated): ExAC 0.00001; gnomAD 0.00001.
gnomAD v4.1: 3 of 1,611,722 alleles (0.00019%); highest among the groups gnomAD compares: African/African-American, 0.004%; no homozygotes.

Submission:

Ambry Genetics
Classification: Uncertain significance for Inborn genetic diseases. Last evaluated: 2021-01-27. Review status: criteria provided, single submitter. Criteria: Ambry Variant Classification Scheme 2023. Collection method: clinical testing. Allele origin: germline.
Comment: The c.2222T>G (p.F741C) alteration is located in exon 17 (coding exon 16) of the FGFR3 gene. This alteration results from a T to G substitution at nucleotide position 2222, causing the phenylalanine (F) at amino acid position 741 to be replaced by a cysteine (C). The p.F741C alteration is predicted to be deleterious by in silico analysis. Based on insufficient or conflicting evidence, the clinical significance of this alteration remains unclear.

NM_000142.5(FGFR3):c.2222T>G (p.Phe741Cys)

Gene: FGFR3 (fibroblast growth factor receptor 3; plus strand). Cytogenetic location: 4p16.3.
Variant type: single nucleotide variant.
Coding change: c.2222T>G on transcript NM_000142.5 (MANE Select); coding-DNA position 2222, T replaced by G.
Protein change: p.Phe741Cys; replaces phenylalanine 741 with cysteine.
Molecular consequence: missense variant. On other transcripts: synonymous variant (1), non-coding transcript variant (1).
Genome position (GRCh38, 1-based): chr4:1,806,882, T>G. VCF-style: chr4-1806882-T-G. GRCh37 (hg19) VCF-style: chr4-1808609-T-G.
Other names: c.2228T>G, p.Phe743Cys (NM_001163213.2); c.2225T>G, p.Phe742Cys (NM_001354809.2); c.2154T>G, p.Leu718= (NM_001354810.2); c.1886T>G, p.Phe629Cys (NM_022965.4); short protein forms F629C, F741C, F742C, F743C.
Identifiers: ClinVar variation 2228773 (VCV002228773.2), dbSNP rs768999235, ClinGen allele CA2810780.